The following is an entry in ClinVar:

NM_182914.3(SYNE2):c.13159G>T (p.Val4387Phe)

Gene: SYNE2 (spectrin repeat containing nuclear envelope protein 2; plus strand). Cytogenetic location: 14q23.2.
Variant type: single nucleotide variant.
Coding change: c.13159G>T on transcript NM_182914.3 (MANE Select); coding-DNA position 13159, G replaced by T.
Protein change: p.Val4387Phe; replaces valine 4387 with phenylalanine.
Molecular consequence: missense variant.
Genome position (GRCh38, 1-based): chr14:64,122,012, G>T. VCF-style: chr14-64122012-G-T. GRCh37 (hg19) VCF-style: chr14-64588730-G-T.
Other names: c.13159G>T, p.Val4387Phe (NM_015180.6); c.13159G>T (NM_182914.2); short protein forms V4387F.
Identifiers: ClinVar variation 2191512 (VCV002191512.5), dbSNP rs764515386, ClinGen allele CA261845087.

ClinVar aggregate classification (germline): Uncertain significance. Review status: criteria provided, multiple submitters, no conflicts (2 of 4 stars). 2 submissions from 2 submitters: Uncertain significance (2). Last evaluated 2025-08-01.

Conditions:
Emery-Dreifuss muscular dystrophy 5, autosomal dominant (EDMD5). Also called: EMERY-DREIFUSS MUSCULAR DYSTROPHY 5. Identifiers: Orphanet 261, MedGen C2751805, MONDO:0013072, OMIM 612999.

gnomAD v4.1: 4 of 1,613,248 alleles (0.00025%); highest among the groups gnomAD compares: Admixed American, 0.0017%; no homozygotes.

Submissions (2):

Ambry Genetics
Classification: Uncertain significance. Last evaluated: 2025-08-01. Review status: criteria provided, single submitter. Criteria: Ambry Variant Classification Scheme 2023. Collection method: clinical testing. Allele origin: germline.

Labcorp Genetics (formerly Invitae), Labcorp
Classification: Uncertain significance for Emery-Dreifuss muscular dystrophy 5, autosomal dominant. Last evaluated: 2024-11-28. Review status: criteria provided, single submitter. Criteria: Invitae Variant Classification Sherloc (09022015). Collection method: clinical testing. Allele origin: germline.
Comment: This sequence change replaces valine, which is neutral and non-polar, with phenylalanine, which is neutral and non-polar, at codon 4387 of the SYNE2 protein (p.Val4387Phe). This variant is not present in population databases (gnomAD no frequency). This variant has not been reported in the literature in individuals affected with SYNE2-related conditions. ClinVar contains an entry for this variant (Variation ID: 2191512). An algorithm developed to predict the effect of missense changes on protein structure and function (PolyPhen-2) suggests that this variant is likely to be disruptive. Algorithms developed to predict the effect of sequence changes on RNA splicing suggest that this variant may disrupt the consensus splice site. In summary, the available evidence is currently insufficient to determine the role of this variant in disease. Therefore, it has been classified as a Variant of Uncertain Significance.